The following is an entry in ClinVar:

ClinVar aggregate classification (germline): Uncertain significance (1 of 4 stars; one submission).

Conditions:
Aortic aneurysm, familial thoracic 7 (AAT7). Also called: AORTIC DISSECTION, FAMILIAL, WITH OR WITHOUT AORTIC ANEURYSM. Identifiers: MedGen C3151077, MONDO:0013418, OMIM 613780.

Submission:

Labcorp Genetics (formerly Invitae), Labcorp
Classification: Uncertain significance for Aortic aneurysm, familial thoracic 7. Last evaluated: 2024-06-28. Review status: criteria provided, single submitter. Criteria: Invitae Variant Classification Sherloc (09022015). Collection method: clinical testing. Allele origin: germline.
Comment: This sequence change falls in intron 13 of the MYLK gene. It does not directly change the encoded amino acid sequence of the MYLK protein. It affects a nucleotide within the consensus splice site. This variant is not present in population databases (gnomAD no frequency). This variant has not been reported in the literature in individuals affected with MYLK-related conditions. Variants that disrupt the consensus splice site are a relatively common cause of aberrant splicing (PMID: 17576681, 9536098). Algorithms developed to predict the effect of sequence changes on RNA splicing suggest that this variant is not likely to affect RNA splicing. In summary, the available evidence is currently insufficient to determine the role of this variant in disease. Therefore, it has been classified as a Variant of Uncertain Significance.

Literature cited by the submitters: PubMed 17576681; PubMed 9536098.

NM_053025.4(MYLK):c.1805-3C>T

Gene: MYLK (myosin light chain kinase; minus strand). Cytogenetic location: 3q21.1.
Variant type: single nucleotide variant.
Coding change: c.1805-3C>T on transcript NM_053025.4 (MANE Select); 3 bases into the intron before coding-DNA position 1805, C replaced by T.
Molecular consequence: intron variant.
Genome position (GRCh38, 1-based): chr3:123,709,896, G>A on the plus strand (C>T on the coding strand, the complement: MYLK is on the minus strand). VCF-style: chr3-123709896-G-A. GRCh37 (hg19) VCF-style: chr3-123428743-G-A.
Other names: c.1277-3C>T (NM_001321309.2); c.1598-3C>T (NM_053028.4, NM_053026.4); c.1805-3C>T (NM_053027.4).
Identifiers: ClinVar variation 3657305 (VCV003657305.2).
Genomic context (GRCh38, chr3:123,709,896, plus strand): 5'-GTGGGCTTGCTGGGAGCCACAGGCAGAAGGTACTCACTCTTCCTGCTACTCTTCTTTTCT[G>A]TGTGGTAGAAAACAGAACGTGGGGTGAACATTCATGCATTCATTCAACAAACACAGACTA-3'